The following is an entry in ClinVar:

ClinVar aggregate classification (germline): Uncertain significance (1 of 4 stars; one submission).

Conditions:
Hereditary spastic paraplegia 49 (HSAN9). Also called: NEUROPATHY, HEREDITARY SENSORY AND AUTONOMIC, TYPE IX, WITH DEVELOPMENTAL DELAY; Spastic paraplegia 49, autosomal recessive; TECPR2-Related Hereditary Sensory and Autonomic Neuropathy with Intellectual Disability. Identifiers: Orphanet 320385, MedGen C5190860, MONDO:0014016, OMIM 615031.

Allele frequency attached by ClinVar (database versions not stated): TOPMed 0.00001; gnomAD exomes 0.00002; ExAC 0.00003; gnomAD 0.00003.
gnomAD v4.1: 45 of 1,613,436 alleles (0.0028%); highest among the groups gnomAD compares: South Asian, 0.0044%; no homozygotes.

Submission:

Labcorp Genetics (formerly Invitae), Labcorp
Classification: Uncertain significance for Hereditary spastic paraplegia 49. Last evaluated: 2022-01-24. Review status: criteria provided, single submitter. Criteria: Invitae Variant Classification Sherloc (09022015). Collection method: clinical testing. Allele origin: germline.
Comment: This sequence change replaces valine, which is neutral and non-polar, with isoleucine, which is neutral and non-polar, at codon 1151 of the TECPR2 protein (p.Val1151Ile). This variant is present in population databases (rs773240218, gnomAD 0.01%). This variant has not been reported in the literature in individuals affected with TECPR2-related conditions. Algorithms developed to predict the effect of missense changes on protein structure and function output the following: SIFT: "Tolerated"; PolyPhen-2: "Benign"; Align-GVGD: "Class C0". The isoleucine amino acid residue is found in multiple mammalian species, which suggests that this missense change does not adversely affect protein function. In summary, the available evidence is currently insufficient to determine the role of this variant in disease. Therefore, it has been classified as a Variant of Uncertain Significance.

NM_014844.5(TECPR2):c.3451G>A (p.Val1151Ile)

Gene: TECPR2 (tectonin beta-propeller repeat containing 2; plus strand). Cytogenetic location: 14q32.31.
Variant type: single nucleotide variant.
Coding change: c.3451G>A on transcript NM_014844.5 (MANE Select); coding-DNA position 3451, G replaced by A.
Protein change: p.Val1151Ile; replaces valine 1151 with isoleucine.
Molecular consequence: missense variant.
Genome position (GRCh38, 1-based): chr14:102,452,438, G>A. VCF-style: chr14-102452438-G-A. GRCh37 (hg19) VCF-style: chr14-102918775-G-A.
Other names: c.3451G>A, p.Val1151Ile (NM_001172631.3); short protein forms V1151I.
Identifiers: ClinVar variation 2421600 (VCV002421600.5), dbSNP rs773240218, ClinGen allele CA7358245.
Genomic context (GRCh38, chr14:102,452,438, plus strand): 5'-TGACCCCTTTCTGCAGGAAGCTTCCTGTGGCTGTGCCAGAGCAGCAAGGACCTGTGCAGC[G>A]TCAGCGCCCAGAGCGCACAGTCGCGGCCCTCCACGGTGCAGCTGCCTCCCGAAGCCGAGA-3'
Protein context (NP_055659.2, residues 1141-1161): LCQSSKDLCS[Val1151Ile]SAQSAQSRPS